The following is an entry in ClinVar:

NM_014159.7(SETD2):c.3240G>A (p.Met1080Ile)

Gene: SETD2 (SET domain containing 2, histone lysine methyltransferase; minus strand). Cytogenetic location: 3p21.31.
Variant type: single nucleotide variant.
Coding change: c.3240G>A on transcript NM_014159.7 (MANE Select); coding-DNA position 3240, G replaced by A.
Protein change: p.Met1080Ile; replaces methionine 1080 with isoleucine.
Molecular consequence: missense variant. On other transcripts: non-coding transcript variant (1).
Genome position (GRCh38, 1-based): chr3:47,121,396, C>T on the plus strand (G>A on the coding strand, the complement: SETD2 is on the minus strand). VCF-style: chr3-47121396-C-T. GRCh37 (hg19) VCF-style: chr3-47162886-C-T.
Other names: p.Met1080Ile; c.3108G>A, p.Met1036Ile (NM_001349370.3); short protein forms M1080I, M1036I.
Identifiers: ClinVar variation 135235 (VCV000135235.15), dbSNP rs76208147, ClinGen allele CA162098.

ClinVar aggregate classification (germline): Benign. Review status: criteria provided, multiple submitters, no conflicts (2 of 4 stars). 6 submissions from 6 submitters: Benign (5). 1 of the submissions does not count toward it. Last evaluated 2026-02-03.

Conditions:
Luscan-Lumish syndrome. Identifiers: Orphanet 597738, MedGen C4085873, MONDO:0014791, OMIM 616831.

Allele frequency attached by ClinVar (database versions not stated): TOPMed 0.03977; gnomAD 0.02797 and 0.03070; gnomAD exomes 0.02828 and 0.06166; 1000 Genomes Project 30x 0.05325; 1000 Genomes Project 0.05531; ExAC 0.05405; ESP Exome Variant Server 0.01599.

Submissions (15):

Labcorp Genetics (formerly Invitae), Labcorp
Classification: Benign for Luscan-Lumish syndrome. Last evaluated: 2026-02-03. Review status: criteria provided, single submitter. Criteria: Invitae Variant Classification Sherloc (09022015). Collection method: clinical testing. Allele origin: germline.

Mayo Clinic Laboratories, Mayo Clinic
Classification: Benign. Last evaluated: 2022-07-29. Review status: criteria provided, single submitter. Criteria: ACMG Guidelines, 2015. Collection method: clinical testing. Allele origin: germline. Observed: 26 variant alleles.
Comment: BA1, BP4

Genome-Nilou Lab
Classification: Benign for Luscan-Lumish syndrome. Last evaluated: 2022-03-15. Review status: criteria provided, single submitter. Criteria: ACMG Guidelines, 2015. Collection method: clinical testing. Allele origin: germline. Affected: no.

GeneDx
Classification: Benign. Last evaluated: 2018-07-21. Review status: criteria provided, single submitter. Criteria: GeneDx Variant Classification Process June 2021. Collection method: clinical testing. Allele origin: germline. Affected: yes.
Comment: This variant is associated with the following publications: (PMID: 28146470)

Breakthrough Genomics
Classification: Benign. Review status: criteria provided, single submitter. Criteria: ACMG Guidelines, 2015. Collection method: not provided. Allele origin: germline. Inheritance: Autosomal dominant inheritance. Affected: yes.

ITMI
No classification provided. Condition: AllHighlyPenetrant. Last evaluated: 2013-09-19. Review status: no classification provided. Collection method: reference population. Allele origin: germline. Not counted in ClinVar's aggregate classification.
Comment: Please see associated publication for description of ethnicities

Dr. Peter K. Rogan Lab, Western University
No classification provided (evidence only). Condition: Acute myeloid leukemia. Review status: no classification provided. Collection method: in vitro. Allele origin: not applicable. Functional consequence: retained intron. Not counted in ClinVar's aggregate classification.

Dr. Peter K. Rogan Lab, Western University
No classification provided (evidence only). Condition: Colon adenocarcinoma. Review status: no classification provided. Collection method: in vitro. Allele origin: not applicable. Functional consequence: retained intron. Not counted in ClinVar's aggregate classification.

Dr. Peter K. Rogan Lab, Western University
No classification provided (evidence only). Condition: Cervical cancer. Review status: no classification provided. Collection method: in vitro. Allele origin: not applicable. Functional consequence: retained intron. Not counted in ClinVar's aggregate classification.

Dr. Peter K. Rogan Lab, Western University
No classification provided (evidence only). Condition: Cervical cancer. Review status: no classification provided. Collection method: in vitro. Allele origin: not applicable. Functional consequence: retained intron. Not counted in ClinVar's aggregate classification.

Dr. Peter K. Rogan Lab, Western University
No classification provided (evidence only). Condition: Cervical cancer. Review status: no classification provided. Collection method: in vitro. Allele origin: not applicable. Functional consequence: retained intron. Not counted in ClinVar's aggregate classification.

Dr. Peter K. Rogan Lab, Western University
No classification provided (evidence only). Condition: Sarcoma. Review status: no classification provided. Collection method: in vitro. Allele origin: not applicable. Functional consequence: retained intron. Not counted in ClinVar's aggregate classification.

Dr. Peter K. Rogan Lab, Western University
No classification provided (evidence only). Condition: Sarcoma. Review status: no classification provided. Collection method: in vitro. Allele origin: not applicable. Functional consequence: retained intron. Not counted in ClinVar's aggregate classification.

Dr. Peter K. Rogan Lab, Western University
No classification provided (evidence only). Condition: Sarcoma. Review status: no classification provided. Collection method: in vitro. Allele origin: not applicable. Functional consequence: retained intron. Not counted in ClinVar's aggregate classification.

Dr. Peter K. Rogan Lab, Western University
No classification provided (evidence only). Condition: Thymoma. Review status: no classification provided. Collection method: in vitro. Allele origin: not applicable. Functional consequence: retained intron. Not counted in ClinVar's aggregate classification.

Literature cited by the submitters: PubMed 24728327 (cited by ITMI).